The following is an entry in ClinVar:

NM_015215.4(CAMTA1):c.2191G>A (p.Gly731Ser)

Gene: CAMTA1 (calmodulin binding transcription activator 1; plus strand). Cytogenetic location: 1p36.23.
Variant type: single nucleotide variant.
Coding change: c.2191G>A on transcript NM_015215.4 (MANE Select); coding-DNA position 2191, G replaced by A.
Protein change: p.Gly731Ser; replaces glycine 731 with serine.
Molecular consequence: missense variant.
Genome position (GRCh38, 1-based): chr1:7,664,738, G>A. VCF-style: chr1-7664738-G-A. GRCh37 (hg19) VCF-style: chr1-7724798-G-A.
Other names: c.2101G>A, p.Gly701Ser (NM_001349608.2, NM_001349612.2); c.2191G>A, p.Gly731Ser (NM_001349609.2, NM_001349610.2, NM_001410737.1); c.2119G>A, p.Gly707Ser (NM_001410738.1); c.2191G>A (NM_015215.3); short protein forms G731S, G701S, G707S.
Identifiers: ClinVar variation 3995007 (VCV003995007.2).
Genomic context (GRCh38, chr1:7,664,738, plus strand): 5'-CAGGCTTGCAGCTCTGAGCACTACCTGCAGCCGGAGACCAACGGGGTAATCCGAAGCGCC[G>A]GCGGCGTCCCCATCCTCCCGGGCAACGTGGTGCAGGGACTCTACCCCGTGGCCCAGCCCA-3'
Protein context (NP_056030.1, residues 721-741): PETNGVIRSA[Gly731Ser]GVPILPGNVV

ClinVar aggregate classification (germline): Uncertain significance. Review status: criteria provided, multiple submitters, no conflicts (2 of 4 stars). 2 submissions from 2 submitters: Uncertain significance (2). Last evaluated 2025-04-01.

Conditions:
Inborn genetic diseases. Identifiers: MedGen C0950123, MeSH D030342.
CAMTA1-related disorder. Also called: CAMTA1-related condition.

gnomAD v4.1: 5 of 1,608,442 alleles (0.00031%); highest among the groups gnomAD compares: Middle Eastern, 0.017%; no homozygotes.

Submissions (2):

Ambry Genetics
Classification: Uncertain significance for Inborn genetic diseases. Last evaluated: 2025-04-01. Review status: criteria provided, single submitter. Criteria: Ambry Variant Classification Scheme 2023. Collection method: clinical testing. Allele origin: germline.

PreventionGenetics, part of Exact Sciences
Classification: Uncertain significance for CAMTA1-related condition. Last evaluated: 2024-10-16. Review status: criteria provided, single submitter. Criteria: ACMG Guidelines, 2015. Collection method: clinical testing. Allele origin: germline.
Comment: The CAMTA1 c.2191G>A variant is predicted to result in the amino acid substitution p.Gly731Ser. To our knowledge, this variant has not been reported in the literature. This variant is reported in 0.0033% of alleles in individuals of South Asian descent in gnomAD. At this time, the clinical significance of this variant is uncertain due to the absence of conclusive functional and genetic evidence.